The following is an entry in ClinVar:

NM_000238.4(KCNH2):c.93C>G (p.Ile31Met)

Gene: KCNH2 (potassium voltage-gated channel subfamily H member 2; minus strand). Cytogenetic location: 7q36.1.
Variant type: single nucleotide variant.
Coding change: c.93C>G on transcript NM_000238.4 (MANE Select); coding-DNA position 93, C replaced by G.
Protein change: p.Ile31Met; replaces isoleucine 31 with methionine.
Molecular consequence: missense variant.
Genome position (GRCh38, 1-based): chr7:150,974,925, G>C on the plus strand (C>G on the coding strand, the complement: KCNH2 is on the minus strand). VCF-style: chr7-150974925-G-C. GRCh37 (hg19) VCF-style: chr7-150672013-G-C.
Other names: c.-85C>G (NM_001406755.1); c.93C>G, p.Ile31Met (NM_172056.3); short protein forms I31M.
Identifiers: ClinVar variation 839172 (VCV000839172.10), dbSNP rs745885744, ClinGen allele CA369865996.

ClinVar aggregate classification (germline): Uncertain significance (1 of 4 stars; one submission).

Conditions:
Long QT syndrome (LQTS). Identifiers: MedGen C0023976, MeSH D008133, MONDO:0002442. Disease mechanism: loss of function. Inheritance: Various modes of inheritance.

Submission:

Labcorp Genetics (formerly Invitae), Labcorp
Classification: Uncertain significance for Long QT syndrome. Last evaluated: 2019-02-14. Review status: criteria provided, single submitter. Criteria: Invitae Variant Classification Sherloc (09022015). Collection method: clinical testing. Allele origin: germline.
Comment: Algorithms developed to predict the effect of missense changes on protein structure and function are either unavailable or do not agree on the potential impact of this missense change (SIFT: "Tolerated"; PolyPhen-2: "Possibly Damaging"; Align-GVGD: "Class C0"). In summary, the available evidence is currently insufficient to determine the role of this variant in disease. Therefore, it has been classified as a Variant of Uncertain Significance. This variant is not present in population databases (ExAC no frequency). This sequence change replaces isoleucine with methionine at codon 31 of the KCNH2 protein (p.Ile31Met). The isoleucine residue is weakly conserved and there is a small physicochemical difference between isoleucine and methionine. This variant has not been reported in the literature in individuals with KCNH2-related conditions.